The following is an entry in ClinVar:

NM_080425.4(GNAS):c.1594A>G (p.Ser532Gly)

Gene: GNAS (GNAS complex locus; plus strand). Cytogenetic location: 20q13.32.
Variant type: single nucleotide variant.
Coding change: c.1594A>G on transcript NM_080425.4 (MANE Plus Clinical); coding-DNA position 1594, A replaced by G.
Protein change: p.Ser532Gly; replaces serine 532 with glycine.
Molecular consequence: missense variant. On other transcripts: intron variant (3), synonymous variant (2).
Genome position (GRCh38, 1-based): chr20:58,854,859, A>G. VCF-style: chr20-58854859-A-G. GRCh37 (hg19) VCF-style: chr20-57429914-A-G.
Other names: c.-39+12984A>G (NM_001309861.2); c.1407A>G, p.Pro469= (NM_001077490.3, NM_001309883.1); c.1594A>G, p.Ser532Gly (NM_001410913.1); c.*42+13973A>G (NM_016592.5); c.43+13973A>G (NM_001410912.1); short protein forms S532G.
Identifiers: ClinVar variation 3026991 (VCV003026991.20), dbSNP rs1413730276, ClinGen allele CA409461198.
Genomic context (GRCh38, chr20:58,854,859, plus strand): 5'-CGGGCGGCCTCTGCAGCCCCTGCCTCCGGGGCCAGACGCAAGATCCATCTCAGACCCCCC[A>G]GCCCCGAGATCCAGGCTGCCGATCCGCCTACTCCGCGGCCTACTCGCGCGTCTGCCTGGC-3'
Protein context (NP_536350.2, residues 522-542): ARRKIHLRPP[Ser532Gly]PEIQAADPPT

ClinVar aggregate classification (germline): Uncertain significance (1 of 4 stars; one submission).

Allele frequency attached by ClinVar (database versions not stated): gnomAD exomes below 0.00001.
gnomAD v4.1: 1 of 1,597,172 alleles (0.000063%); highest among the groups gnomAD compares: Non-Finnish European, 0.000085%; no homozygotes.

Submission:

CeGaT Center for Human Genetics Tuebingen
Classification: Uncertain significance. Last evaluated: 2024-01-01. Review status: criteria provided, single submitter. Criteria: CeGaT Center For Human Genetics Tuebingen Variant Classification Criteria Version 2. Collection method: clinical testing. Allele origin: germline. Affected: yes. Observed: 1 variant allele.
Comment: GNAS: PP3